The following is an entry in ClinVar:

ClinVar aggregate classification (germline): Benign/Likely benign. Review status: criteria provided, multiple submitters, no conflicts (2 of 4 stars). 8 submissions from 8 submitters: Benign (2); Likely benign (5). 1 of the submissions does not count toward it. Last evaluated 2026-01-31.

Conditions:
APC-related disorder. Also called: APC-related condition.
Familial adenomatous polyposis 1 (FAP1). Also called: POLYPOSIS, ADENOMATOUS INTESTINAL; FAMILIAL ADENOMATOUS POLYPOSIS 1, ATTENUATED. Identifiers: MedGen C2713442, MONDO:0021056, OMIM 175100. Disease mechanism: loss of function.
Hereditary cancer-predisposing syndrome. Also called: Hereditary neoplastic syndrome; Neoplastic Syndromes, Hereditary; Tumor predisposition; Hereditary Cancer Syndrome. Identifiers: Orphanet 140162, MedGen C0027672, MeSH D009386, MONDO:0015356.
Classic or attenuated familial adenomatous polyposis. Identifiers: MedGen CN372698, MONDO:0021057.

Allele frequency attached by ClinVar (database versions not stated): ExAC 0.00001; gnomAD 0.00001; gnomAD exomes 0.00001; TOPMed 0.00003.
gnomAD v4.1: 9 of 1,613,986 alleles (0.00056%); highest among the groups gnomAD compares: East Asian, 0.018%; no homozygotes.

Submissions (8):

Labcorp Genetics (formerly Invitae), Labcorp
Classification: Likely benign for Familial adenomatous polyposis 1. Last evaluated: 2026-01-31. Review status: criteria provided, single submitter. Criteria: Invitae Variant Classification Sherloc (09022015). Collection method: clinical testing. Allele origin: germline.

All of Us Research Program, National Institutes of Health
Classification: Likely benign for Classic or attenuated familial adenomatous polyposis. Last evaluated: 2024-05-14. Review status: criteria provided, single submitter. Criteria: ACMG Guidelines, 2015. Collection method: clinical testing. Allele origin: germline. Inheritance: Autosomal dominant inheritance. Observed: 4 variant alleles, 4 heterozygotes.
Comment: This study involves interpretation of variants in research participants for the purpose of population health screening. Participant phenotype was not available at the time of variant classification. Additional details can be found in publication PMID: 35346344, PMCID: PMC8962531

Myriad Genetics, Inc.
Classification: Benign for Familial adenomatous polyposis 1. Last evaluated: 2024-03-11. Review status: criteria provided, single submitter. Criteria: Myriad Autosomal Dominant, Autosomal Recessive and X-Linked Classification Criteria (2023). Collection method: clinical testing. Allele origin: unknown.
Comment: This variant is considered benign. This variant is a silent/synonymous amino acid change and it is not expected to impact splicing.

Quest Diagnostics Nichols Institute San Juan Capistrano
Classification: Benign. Last evaluated: 2023-08-28. Review status: criteria provided, single submitter. Criteria: Quest Diagnostics criteria. Collection method: clinical testing. Allele origin: unknown.

Women's Health and Genetics/Laboratory Corporation of America, LabCorp
Classification: Likely benign. Last evaluated: 2023-06-15. Review status: criteria provided, single submitter. Criteria: LabCorp Variant Classification Summary - May 2015. Collection method: clinical testing. Allele origin: germline.

Ambry Genetics
Classification: Likely benign for Hereditary cancer-predisposing syndrome. Last evaluated: 2016-10-11. Review status: criteria provided, single submitter. Criteria: Ambry Variant Classification Scheme 2023. Collection method: clinical testing. Allele origin: germline.

Color Diagnostics, LLC DBA Color Health
Classification: Likely benign for Hereditary cancer-predisposing syndrome. Last evaluated: 2016-08-19. Review status: criteria provided, single submitter. Criteria: ACMG Guidelines, 2015. Collection method: clinical testing. Allele origin: germline.

PreventionGenetics, part of Exact Sciences
Classification: Likely benign for APC-related condition. Last evaluated: 2019-11-22. Review status: no assertion criteria provided. Collection method: clinical testing. Allele origin: germline. Not counted in ClinVar's aggregate classification.
Comment: This variant is classified as likely benign based on ACMG/AMP sequence variant interpretation guidelines (Richards et al. 2015 PMID: 25741868, with internal and published modifications).

NM_000038.6(APC):c.2280A>G (p.Leu760=)

Gene: APC (APC regulator of Wnt signaling pathway; plus strand). Cytogenetic location: 5q22.2.
Variant type: single nucleotide variant.
Coding change: c.2280A>G on transcript NM_000038.6 (MANE Select); coding-DNA position 2280, A replaced by G.
Protein change: p.Leu760=; no amino-acid change (leucine 760 retained).
Molecular consequence: synonymous variant.
Genome position (GRCh38, 1-based): chr5:112,837,874, A>G. VCF-style: chr5-112837874-A-G. GRCh37 (hg19) VCF-style: chr5-112173571-A-G.
Other names: c.2280A>G, p.Leu760= (NM_001127510.3, NM_001354895.2); c.2226A>G, p.Leu742= (NM_001127511.3); c.2334A>G, p.Leu778= (NM_001354896.2); c.2310A>G, p.Leu770= (NM_001354897.2); c.2205A>G, p.Leu735= (NM_001354898.2); c.2196A>G, p.Leu732= (NM_001354899.2); c.2157A>G, p.Leu719= (NM_001354900.2); c.2103A>G, p.Leu701= (NM_001354901.2); and 5 more.
Identifiers: ClinVar variation 469741 (VCV000469741.24), dbSNP rs767947015, ClinGen allele CA031607.